The following is an entry in ClinVar:

ClinVar aggregate classification (germline): Uncertain significance (1 of 4 stars; one submission).

Submission:

Labcorp Genetics (formerly Invitae), Labcorp
Classification: Uncertain significance. Last evaluated: 2022-10-28. Review status: criteria provided, single submitter. Criteria: Invitae Variant Classification Sherloc (09022015). Collection method: clinical testing. Allele origin: germline.
Comment: In summary, the available evidence is currently insufficient to determine the role of this variant in disease. Therefore, it has been classified as a Variant of Uncertain Significance. Advanced modeling of protein sequence and biophysical properties (such as structural, functional, and spatial information, amino acid conservation, physicochemical variation, residue mobility, and thermodynamic stability) performed at Invitae indicates that this missense variant is expected to disrupt COL2A1 protein function. This missense change has been observed in individual(s) with clinical features of COL2A1-related conditions (PMID: 22791362). This variant is not present in population databases (gnomAD no frequency). This sequence change replaces threonine, which is neutral and polar, with asparagine, which is neutral and polar, at codon 1322 of the COL2A1 protein (p.Thr1322Asn).

Literature cited by the submitters: PubMed 22791362.

NM_001844.5(COL2A1):c.3965C>A (p.Thr1322Asn)

Gene: COL2A1 (collagen type II alpha 1 chain; minus strand). Cytogenetic location: 12q13.11.
Variant type: single nucleotide variant.
Coding change: c.3965C>A on transcript NM_001844.5 (MANE Select); coding-DNA position 3965, C replaced by A.
Protein change: p.Thr1322Asn; replaces threonine 1322 with asparagine.
Molecular consequence: missense variant.
Genome position (GRCh38, 1-based): chr12:47,974,784, G>T on the plus strand (C>A on the coding strand, the complement: COL2A1 is on the minus strand). VCF-style: chr12-47974784-G-T. GRCh37 (hg19) VCF-style: chr12-48368567-G-T.
Other names: c.3758C>A, p.Thr1253Asn (NM_033150.3); short protein forms T1253N, T1322N.
Identifiers: ClinVar variation 2735836 (VCV002735836.3), dbSNP rs2540097510, ClinGen allele CA384535849.